The following is an entry in ClinVar:

ClinVar aggregate classification (germline): Uncertain significance (1 of 4 stars; one submission).

Conditions:
Hereditary cancer-predisposing syndrome. Also called: Hereditary Cancer Syndrome; Tumor predisposition; Hereditary neoplastic syndrome; Neoplastic Syndromes, Hereditary. Identifiers: Orphanet 140162, MedGen C0027672, MeSH D009386, MONDO:0015356.

Submission:

Ambry Genetics
Classification: Uncertain significance for Hereditary cancer-predisposing syndrome. Last evaluated: 2024-05-08. Review status: criteria provided, single submitter. Criteria: Ambry Variant Classification Scheme 2023. Collection method: clinical testing. Allele origin: germline.
Comment: The p.Q1010P variant (also known as c.3029A>C), located in coding exon 19 of the BRIP1 gene, results from an A to C substitution at nucleotide position 3029. The glutamine at codon 1010 is replaced by proline, an amino acid with similar properties. This amino acid position is conserved. In addition, this alteration is predicted to be tolerated by in silico analysis. Based on the available evidence, the clinical significance of this variant remains unclear.

NM_032043.3(BRIP1):c.3029A>C (p.Gln1010Pro)

Gene: BRIP1 (BRCA1 interacting DNA helicase 1; minus strand). Cytogenetic location: 17q23.2.
Variant type: single nucleotide variant.
Coding change: c.3029A>C on transcript NM_032043.3 (MANE Select); coding-DNA position 3029, A replaced by C.
Protein change: p.Gln1010Pro; replaces glutamine 1010 with proline.
Molecular consequence: missense variant.
Genome position (GRCh38, 1-based): chr17:61,684,017, T>G on the plus strand (A>C on the coding strand, the complement: BRIP1 is on the minus strand). VCF-style: chr17-61684017-T-G. GRCh37 (hg19) VCF-style: chr17-59761378-T-G.
Other names: short protein forms Q1010P.
Identifiers: ClinVar variation 3261816 (VCV003261816.1).